The following is an entry in ClinVar:

NM_001042492.3(NF1):c.6989T>A (p.Leu2330Ter)

Gene: NF1 (neurofibromin 1; plus strand). Cytogenetic location: 17q11.2.
Variant type: single nucleotide variant.
Coding change: c.6989T>A on transcript NM_001042492.3 (MANE Select); coding-DNA position 6989, T replaced by A.
Protein change: p.Leu2330Ter; replaces leucine 2330 with a stop codon.
Molecular consequence: nonsense.
Genome position (GRCh38, 1-based): chr17:31,340,572, T>A. VCF-style: chr17-31340572-T-A. GRCh37 (hg19) VCF-style: chr17-29667590-T-A.
Other names: c.6926T>A, p.Leu2309Ter (NM_000267.4); short protein forms L2330*, L2309*.
Identifiers: ClinVar variation 1431794 (VCV001431794.9), dbSNP rs2151561738, ClinGen allele CA399014984.

ClinVar aggregate classification (germline): Pathogenic. Review status: criteria provided, multiple submitters, no conflicts (2 of 4 stars). 2 submissions from 2 submitters: Pathogenic (2). Last evaluated 2026-04-01.

Conditions:
Neurofibromatosis, type 1 (NF1). Also called: VON RECKLINGHAUSEN DISEASE; Peripheral type neurofibromatosis; NEUROFIBROMATOSIS, TYPE I, SOMATIC; Neurofibromatosis, type I. Identifiers: Orphanet 636, MedGen C0027831, MONDO:0018975, OMIM 162200. Disease mechanism: loss of function.

Submissions (2):

Department of Genetics, Sultan Qaboos University Hospital
Classification: Pathogenic for Neurofibromatosis, type 1. Last evaluated: 2026-04-01. Review status: criteria provided, single submitter. Criteria: ACMG Guidelines, 2015. Collection method: clinical testing. Allele origin: germline. Affected: yes. Observed: 1 variant allele.
Comment: PVS1,PM2,PP5_Moderate

Labcorp Genetics (formerly Invitae), Labcorp
Classification: Pathogenic for Neurofibromatosis, type 1. Last evaluated: 2022-09-30. Review status: criteria provided, single submitter. Criteria: Invitae Variant Classification Sherloc (09022015). Collection method: clinical testing. Allele origin: germline.
Comment: For these reasons, this variant has been classified as Pathogenic. ClinVar contains an entry for this variant (Variation ID: 1431794). This variant is also known as c.6989T>A (p.Leu2330*). This premature translational stop signal has been observed in individual(s) with neurofibromatosis (PMID: 29685074). This variant is not present in population databases (gnomAD no frequency). This sequence change creates a premature translational stop signal (p.Leu2309*) in the NF1 gene. It is expected to result in an absent or disrupted protein product. Loss-of-function variants in NF1 are known to be pathogenic (PMID: 10712197, 23913538).

Literature cited by the submitters: PubMed 29685074 (cited by Labcorp Genetics (formerly Invitae), Labcorp); PubMed 10712197 (cited by Labcorp Genetics (formerly Invitae), Labcorp); PubMed 23913538 (cited by Labcorp Genetics (formerly Invitae), Labcorp).